The following is an entry in ClinVar:

NM_001365536.1(SCN9A):c.3506A>C (p.Asn1169Thr)

Genes: SCN9A (sodium voltage-gated channel alpha subunit 9; minus strand), SCN1A-AS1 (SCN1A and SCN9A antisense RNA 1; plus strand). Cytogenetic location: 2q24.3.
Variant type: single nucleotide variant.
Coding change: c.3506A>C on transcript NM_001365536.1 (MANE Select); coding-DNA position 3506, A replaced by C.
Protein change: p.Asn1169Thr; replaces asparagine 1169 with threonine.
Molecular consequence: missense variant.
Genome position (GRCh38, 1-based): chr2:166,242,623, T>G on the plus strand (A>C on the coding strand, the complement: SCN9A is on the minus strand). VCF-style: chr2-166242623-T-G. GRCh37 (hg19) VCF-style: chr2-167099133-T-G.
Other names: c.3473A>C, p.Asn1158Thr (NM_002977.4); short protein forms N1158T, N1169T.
Identifiers: ClinVar variation 194947 (VCV000194947.63), dbSNP rs151241025, ClinGen allele CA201453.

ClinVar aggregate classification (germline): Benign/Likely benign. Review status: criteria provided, multiple submitters, no conflicts (2 of 4 stars). 7 submissions from 7 submitters: Benign (2); Likely benign (4). 1 of the submissions does not count toward it. Last evaluated 2026-04-01.

Conditions:
SCN9A-related disorder. Also called: SCN9A-related condition; SCN9A-related disorders.
Generalized epilepsy with febrile seizures plus, type 7 (GEFSP7). Also called: GEFS+, TYPE 7. Identifiers: Orphanet 36387, MedGen C2751778, MONDO:0013470, OMIM 613863.
Neuropathy, hereditary sensory and autonomic, type 2A (HSAN2A). Also called: ACROOSTEOLYSIS, GIACCAI TYPE; ACROOSTEOLYSIS, NEUROGENIC; MORVAN DISEASE; NEUROPATHY, CONGENITAL SENSORY; NEUROPATHY, HEREDITARY SENSORY RADICULAR, AUTOSOMAL RECESSIVE; NEUROPATHY, HEREDITARY SENSORY, TYPE IIA. Identifiers: Orphanet 970, MedGen C2752089, MONDO:0024309, OMIM 201300.
Inborn genetic diseases. Identifiers: MedGen C0950123, MeSH D030342.

Allele frequency attached by ClinVar (database versions not stated): ExAC 0.00096; ESP Exome Variant Server 0.00166; gnomAD 0.00201 and 0.00216; 1000 Genomes Project 30x 0.00203; TOPMed 0.00216; 1000 Genomes Project 0.00240; gnomAD exomes 0.00017 and 0.00048.
gnomAD v4.1: 571 of 1,552,992 alleles (0.037%); highest among the groups gnomAD compares: African/African-American, 0.69%; 3 homozygotes.

Submissions (7):

CeGaT Center for Human Genetics Tuebingen
Classification: Likely benign. Last evaluated: 2026-04-01. Review status: criteria provided, single submitter. Criteria: CeGaT Center For Human Genetics Tuebingen Variant Classification Criteria Version 2. Collection method: clinical testing. Allele origin: germline. Affected: yes. Observed: 3 variant alleles.
Comment: SCN9A: BP4, BS2

Labcorp Genetics (formerly Invitae), Labcorp
Classification: Benign for Neuropathy, hereditary sensory and autonomic, type 2A; Generalized epilepsy with febrile seizures plus, type 7. Last evaluated: 2026-02-02. Review status: criteria provided, single submitter. Criteria: Invitae Variant Classification Sherloc (09022015). Collection method: clinical testing. Allele origin: germline.

Blueprint Genetics
Classification: Likely benign. Last evaluated: 2024-09-04. Review status: criteria provided, single submitter. Criteria: ACMG Guidelines, 2015. Collection method: clinical testing. Allele origin: germline.

GeneDx
Classification: Likely benign. Last evaluated: 2020-09-29. Review status: criteria provided, single submitter. Criteria: GeneDx Variant Classification Process June 2021. Collection method: clinical testing. Allele origin: germline. Affected: yes.
Comment: This variant is associated with the following publications: (PMID: 22581653)

Ambry Genetics
Classification: Likely benign for Inborn genetic diseases. Last evaluated: 2019-11-15. Review status: criteria provided, single submitter. Criteria: Ambry Variant Classification Scheme 2023. Collection method: clinical testing. Allele origin: germline.

Eurofins Ntd Llc (ga)
Classification: Benign. Last evaluated: 2015-04-02. Review status: criteria provided, single submitter. Criteria: EGL Classification Definitions 2015. Collection method: clinical testing. Allele origin: germline. Observed: 1 variant allele, 1 heterozygote.

PreventionGenetics, part of Exact Sciences
Classification: Benign for SCN9A-related condition. Last evaluated: 2019-05-29. Review status: no assertion criteria provided. Collection method: clinical testing. Allele origin: germline. Not counted in ClinVar's aggregate classification.
Comment: This variant is classified as benign based on ACMG/AMP sequence variant interpretation guidelines (Richards et al. 2015 PMID: 25741868, with internal and published modifications).